The following is an entry in ClinVar:

ClinVar aggregate classification (germline): Uncertain significance (1 of 4 stars; one submission).

gnomAD v4.1: 5 of 1,613,864 alleles (0.00031%); highest among the groups gnomAD compares: Non-Finnish European, 0.00042%; no homozygotes.

Submission:

Labcorp Genetics (formerly Invitae), Labcorp
Classification: Uncertain significance. Last evaluated: 2024-05-24. Review status: criteria provided, single submitter. Criteria: Invitae Variant Classification Sherloc (09022015). Collection method: clinical testing. Allele origin: germline.
Comment: This sequence change replaces arginine, which is basic and polar, with isoleucine, which is neutral and non-polar, at codon 1096 of the NBAS protein (p.Arg1096Ile). This variant is present in population databases (no rsID available, gnomAD 0.002%). This variant has not been reported in the literature in individuals affected with NBAS-related conditions. Advanced modeling of protein sequence and biophysical properties (such as structural, functional, and spatial information, amino acid conservation, physicochemical variation, residue mobility, and thermodynamic stability) performed at Invitae indicates that this missense variant is not expected to disrupt NBAS protein function with a negative predictive value of 95%. In summary, the available evidence is currently insufficient to determine the role of this variant in disease. Therefore, it has been classified as a Variant of Uncertain Significance.

NM_015909.4(NBAS):c.3287G>T (p.Arg1096Ile)

Gene: NBAS (NBAS subunit of NRZ tethering complex; minus strand). Cytogenetic location: 2p24.3.
Variant type: single nucleotide variant.
Coding change: c.3287G>T on transcript NM_015909.4 (MANE Select); coding-DNA position 3287, G replaced by T.
Protein change: p.Arg1096Ile; replaces arginine 1096 with isoleucine.
Molecular consequence: missense variant. On other transcripts: non-coding transcript variant (1).
Genome position (GRCh38, 1-based): chr2:15,383,288, C>A on the plus strand (G>T on the coding strand, the complement: NBAS is on the minus strand). VCF-style: chr2-15383288-C-A. GRCh37 (hg19) VCF-style: chr2-15523412-C-A.
Other names: short protein forms R1096I.
Identifiers: ClinVar variation 3702156 (VCV003702156.2).
Genomic context (GRCh38, chr2:15,383,288, plus strand): 5'-TCAGAATCTAGACATGTGTATACATTCTGCTGCATAGTTAACATGTCTTGCAGCAACGTT[C>A]TCCAATGAGACTCACTGACAGGAGGCTGCCTGGAAAAACACATAAAAAAGACAAGGAAGA-3'
Protein context (NP_056993.2, residues 1086-1106): KQPPVSESHW[Arg1096Ile]TLLQDMLTMQ